The following is an entry in ClinVar:

ClinVar aggregate classification (germline): Uncertain significance (1 of 4 stars; one submission).

Submission:

Labcorp Genetics (formerly Invitae), Labcorp
Classification: Uncertain significance. Last evaluated: 2023-07-25. Review status: criteria provided, single submitter. Criteria: Invitae Variant Classification Sherloc (09022015). Collection method: clinical testing. Allele origin: unknown.
Comment: This variant results in a copy number gain of the genomic region encompassing exon(s) 5 of the CREB3L3 gene. While the exact position of this variant cannot be determined from the data, sub-genic copy number gains are generally in tandem (PMID: 25640679). This variant is predicted to be in-frame, and likely preserves the integrity of the reading frame. This variant has not been reported in the literature in individuals affected with CREB3L3-related conditions. Experimental studies and prediction algorithms are not available or were not evaluated, and the functional significance of this variant is currently unknown. In summary, the available evidence is currently insufficient to determine the role of this variant in disease. Therefore, it has been classified as a Variant of Uncertain Significance.

Literature cited by the submitters: PubMed 25640679.

NC_000019.9:g.(?_4164480)_(4164657_?)dup

Gene: CREB3L3 (cAMP responsive element binding protein 3 like 3; plus strand). Cytogenetic location: 19p13.3.
Variant type: Duplication.
Identifiers: ClinVar variation 3242721 (VCV003242721.1).